The following is an entry in ClinVar:

ClinVar aggregate classification (germline): Uncertain significance (1 of 4 stars; one submission).

Conditions:
Regional enteritis. Also called: Enteritis, Granulomatous. Identifiers: MedGen C0678202, MeSH D003424.
Blau syndrome (BLAUS). Also called: GRANULOMATOSIS, FAMILIAL JUVENILE SYSTEMIC; GRANULOMATOSIS, FAMILIAL, BLAU TYPE; GRANULOMATOUS INFLAMMATORY ARTHRITIS, DERMATITIS, AND UVEITIS, FAMILIAL; ARTHROCUTANEOUVEAL GRANULOMATOSIS; JABS SYNDROME. Identifiers: Orphanet 90340, MedGen C5201146, MONDO:0008523, OMIM 186580.

Allele frequency attached by ClinVar (database versions not stated): gnomAD 0.00001; TOPMed 0.00001.
gnomAD v4.1: 5 of 1,614,020 alleles (0.00031%); highest among the groups gnomAD compares: Non-Finnish European, 0.00042%; no homozygotes.

Submission:

Labcorp Genetics (formerly Invitae), Labcorp
Classification: Uncertain significance for Regional enteritis; Blau syndrome. Last evaluated: 2022-11-15. Review status: criteria provided, single submitter. Criteria: Invitae Variant Classification Sherloc (09022015). Collection method: clinical testing. Allele origin: germline.
Comment: In summary, the available evidence is currently insufficient to determine the role of this variant in disease. Therefore, it has been classified as a Variant of Uncertain Significance. This variant disrupts the p.Arg334 amino acid residue in NOD2. Other variant(s) that disrupt this residue have been determined to be pathogenic (PMID: 11528384, 15044951, 15459013, 17157607, 20199415, 22509093). This suggests that this residue is clinically significant, and that variants that disrupt this residue are likely to be disease-causing. Advanced modeling of protein sequence and biophysical properties (such as structural, functional, and spatial information, amino acid conservation, physicochemical variation, residue mobility, and thermodynamic stability) performed at Invitae indicates that this missense variant is expected to disrupt NOD2 protein function. This variant has not been reported in the literature in individuals affected with NOD2-related conditions. This variant is not present in population databases (gnomAD no frequency). This sequence change replaces arginine, which is basic and polar, with proline, which is neutral and non-polar, at codon 334 of the NOD2 protein (p.Arg334Pro).

Literature cited by the submitters: PubMed 11528384; PubMed 15044951; PubMed 15459013; PubMed 17157607; PubMed 20199415; PubMed 22509093.

NM_001370466.1(NOD2):c.920G>C (p.Arg307Pro)

Gene: NOD2 (nucleotide binding oligomerization domain containing 2; plus strand). Cytogenetic location: 16q12.1.
Variant type: single nucleotide variant.
Coding change: c.920G>C on transcript NM_001370466.1 (MANE Select); coding-DNA position 920, G replaced by C.
Protein change: p.Arg307Pro; replaces arginine 307 with proline.
Molecular consequence: missense variant. On other transcripts: non-coding transcript variant (1).
Genome position (GRCh38, 1-based): chr16:50,710,912, G>C. VCF-style: chr16-50710912-G-C. GRCh37 (hg19) VCF-style: chr16-50744823-G-C.
Other names: c.920G>C, p.Arg307Pro (NM_001293557.2); c.1001G>C, p.Arg334Pro (NM_022162.3); short protein forms R307P, R334P.
Identifiers: ClinVar variation 2039140 (VCV002039140.4), dbSNP rs104895461, ClinGen allele CA395868021.
Genomic context (GRCh38, chr16:50,710,912, plus strand): 5'-TGCTGTGGGCTGCAGGGCAAGACTTCCAGGAATTTCTCTTTGTCTTCCCATTCAGCTGCC[G>C]GCAGCTGCAGTGCATGGCCAAACCACTCTCTGTGCGGACTCTACTCTTTGAGCACTGCTG-3'
Protein context (NP_001357395.1, residues 297-317): EFLFVFPFSC[Arg307Pro]QLQCMAKPLS